The following is an entry in ClinVar:

ClinVar aggregate classification (germline): Pathogenic. Review status: criteria provided, multiple submitters, no conflicts (2 of 4 stars). 2 submissions from 2 submitters: Pathogenic (2). Last evaluated 2024-05-01.

Conditions:
UV-sensitive syndrome 2 (UVSS2). Identifiers: Orphanet 178338, MedGen C3553298, MONDO:0013829, OMIM 614621.
Cockayne syndrome type 1. Also called: Cockayne syndrome type I; Cockayne syndrome classical; Cockayne syndrome classic form. Identifiers: Orphanet 191, Orphanet 90321, MedGen C0751039, MONDO:0019569, OMIM 216400.

Allele frequency attached by ClinVar (database versions not stated): gnomAD exomes below 0.00001.

Submissions (2):

Fulgent Genetics
Classification: Pathogenic for Cockayne syndrome type 1; UV-sensitive syndrome 2. Last evaluated: 2024-05-01. Review status: criteria provided, single submitter. Criteria: ACMG Guidelines, 2015. Collection method: clinical testing. Allele origin: germline.

Labcorp Genetics (formerly Invitae), Labcorp
Classification: Pathogenic. Last evaluated: 2023-11-21. Review status: criteria provided, single submitter. Criteria: Invitae Variant Classification Sherloc (09022015). Collection method: clinical testing. Allele origin: germline.
Comment: This sequence change creates a premature translational stop signal (p.Asn75Glnfs*9) in the ERCC8 gene. It is expected to result in an absent or disrupted protein product. Loss-of-function variants in ERCC8 are known to be pathogenic (PMID: 29572252). This variant is not present in population databases (gnomAD no frequency). This premature translational stop signal has been observed in individual(s) with Cockayne syndrome (PMID: 29572252). ClinVar contains an entry for this variant (Variation ID: 1455112). For these reasons, this variant has been classified as Pathogenic.

Literature cited by the submitters: PubMed 29572252 (cited by Labcorp Genetics (formerly Invitae), Labcorp).

NM_000082.4(ERCC8):c.223_227del (p.Asn75fs)

Gene: ERCC8 (ERCC excision repair 8, CSA ubiquitin ligase complex subunit; minus strand). Cytogenetic location: 5q12.1.
Variant type: Deletion.
Coding change: c.223_227del on transcript NM_000082.4 (MANE Select); coding-DNA positions 223 to 227, 5 bases deleted (AACTC; older notation c.223_227delAACTC).
Protein change: p.Asn75fs; shifts the reading frame from asparagine 75.
Molecular consequence: frameshift variant. On other transcripts: 5 prime UTR variant (1).
Genome position (GRCh38, 1-based): chr5:60,922,102-60,922,106, GAGTT deleted on the plus strand (AACTC on the coding strand, the reverse complement: ERCC8 is on the minus strand). VCF-style (leftmost placement, unchanged base first): chr5-60922101-GGAGTT-G. GRCh37 (hg19) VCF-style: chr5-60217928-GGAGTT-G.
Other names: c.49_53del, p.Asn17fs (NM_001007233.3); c.223_227del, p.Asn75fs (NM_001007234.3); c.-155_-151del (NM_001290285.2); short protein forms N17fs, N75fs.
Identifiers: ClinVar variation 1455112 (VCV001455112.9), dbSNP rs2112522943, ClinGen allele CA2573139750.